The following is an entry in ClinVar:

NM_007294.4(BRCA1):c.5157G>T (p.Val1719=)

Gene: BRCA1 (BRCA1 DNA repair associated; minus strand). Cytogenetic location: 17q21.31.
Variant type: single nucleotide variant.
Coding change: c.5157G>T on transcript NM_007294.4 (MANE Select); coding-DNA position 5157, G replaced by T.
Protein change: p.Val1719=; no amino-acid change (valine 1719 retained).
Molecular consequence: synonymous variant.
Genome position (GRCh38, 1-based): chr17:43,063,369, C>A on the plus strand (G>T on the coding strand, the complement: BRCA1 is on the minus strand). VCF-style: chr17-43063369-C-A. GRCh37 (hg19) VCF-style: chr17-41215386-C-A.
Other names: c.1845G>T, p.Val615= (NM_001407985.1, NM_001407986.1, NM_001407990.1 and 13 more transcripts); c.1842G>T, p.Val614= (NM_001408392.1, NM_001408396.1, NM_001408397.1 and 8 more transcripts); c.1839G>T, p.Val613= (NM_001408406.1, NM_001408407.1, NM_001408408.1); c.1836G>T, p.Val612= (NM_001408409.1); c.1773G>T, p.Val591= (NM_001408410.1); c.1770G>T, p.Val590= (NM_001408411.1); c.4944G>T, p.Val1648= (NM_001407571.1, NM_001407894.1, NM_001407895.1 and 12 more transcripts); c.5223G>T, p.Val1741= (NM_001407581.1, NM_001407582.1); and 72 more.
Identifiers: ClinVar variation 184120 (VCV000184120.46), dbSNP rs28897697, ClinGen allele CA003311.

ClinVar aggregate classification (germline): Likely benign. Review status: reviewed by expert panel (3 of 4 stars). 13 submissions from 13 submitters: Likely benign (1). 12 of the submissions do not count toward it. Last evaluated 2017-06-29.

Conditions:
Hereditary breast ovarian cancer syndrome. Also called: Hereditary breast and ovarian cancer syndrome; Hereditary breast and ovarian cancer syndrome (HBOC); BRCA1- and BRCA2-Associated Hereditary Breast and Ovarian Cancer; Breast and ovarian cancer; Hereditary breast and ovarian cancer; Hereditary breast and/or ovarian cancer syndrome. Identifiers: Orphanet 145, MedGen C0677776, MeSH D061325, MONDO:0003582. Disease mechanism: loss of function.
Breast and/or ovarian cancer. Identifiers: MedGen CN221562.
Hereditary cancer-predisposing syndrome. Also called: Hereditary Cancer Syndrome; Hereditary neoplastic syndrome; Tumor predisposition; Neoplastic Syndromes, Hereditary. Identifiers: Orphanet 140162, MedGen C0027672, MeSH D009386, MONDO:0015356.
Breast-ovarian cancer, familial, susceptibility to, 1 (BROVCA1). Also called: OVARIAN CANCER, SUSCEPTIBILITY TO; BRCA1 Hereditary Breast and Ovarian Cancer. Identifiers: Orphanet 145, MedGen C2676676, MONDO:0011450, OMIM 604370. Disease mechanism: loss of function.
BRCA1-related cancer predisposition. Identifiers: MedGen CN377757, MONDO:0700268.

Allele frequency attached by ClinVar (database versions not stated): ExAC 0.00001; gnomAD exomes 0.00002; TOPMed 0.00003; gnomAD 0.00004.
gnomAD v4.1: 89 of 1,611,588 alleles (0.0055%); highest among the groups gnomAD compares: Non-Finnish European, 0.007%; no homozygotes.

Submissions (14):

Evidence-based Network for the Interpretation of Germline Mutant Alleles (ENIGMA)
Classification: Likely benign for Breast-ovarian cancer, familial, susceptibility to, 1. Last evaluated: 2017-06-29. Review status: reviewed by expert panel. Criteria: ENIGMA BRCA1/2 Classification Criteria (2017-06-29). Collection method: curation. Allele origin: germline.
Comment: Synonymous substitution variant, with low bioinformatic likelihood to result in a splicing aberration (Splicing prior probability 0.02).

Labcorp Genetics (formerly Invitae), Labcorp
Classification: Likely benign for Hereditary breast ovarian cancer syndrome. Last evaluated: 2026-01-19. Review status: criteria provided, single submitter. Criteria: Invitae Variant Classification Sherloc (09022015). Collection method: clinical testing. Allele origin: germline. Not counted in ClinVar's aggregate classification.

Institute for Biomarker Research, Medical Diagnostic Laboratories, L.L.C.
Classification: Likely benign for Hereditary breast ovarian cancer syndrome. Last evaluated: 2025-07-07. Review status: criteria provided, single submitter. Criteria: ACMG Guidelines, 2015. Collection method: clinical testing. Allele origin: germline. Not counted in ClinVar's aggregate classification.
Comment: The synonymous variant NM_007294.4(BRCA1):c.5157G>T (p.Val1719=) has been reported to ClinVar as Likely benign with a status of (3 stars) reviewed by expert panel (Variation ID 184120 as of 2025-06-05). The p.Val1719= variant is not predicted to disrupt the existing acceptor splice site 5bp upstream by any splice site algorithm. The p.Val1719= variant results in a substitution of a base that is not predicted conserved by GERP++ and PhyloP. For these reasons, this variant has been classified as Likely Benign.

All of Us Research Program, National Institutes of Health
Classification: Likely benign for BRCA1-related cancer predisposition. Last evaluated: 2024-08-30. Review status: criteria provided, single submitter. Criteria: ACMG Guidelines, 2015. Collection method: clinical testing. Allele origin: germline. Inheritance: Autosomal dominant inheritance. Observed: 16 variant alleles, 16 heterozygotes. Not counted in ClinVar's aggregate classification.
Comment: This study involves interpretation of variants in research participants for the purpose of population health screening. Participant phenotype was not available at the time of variant classification. Additional details can be found in publication PMID: 35346344, PMCID: PMC8962531

Blueprint Genetics
Classification: Likely benign. Last evaluated: 2024-07-31. Review status: criteria provided, single submitter. Criteria: ACMG Guidelines, 2015. Collection method: clinical testing. Allele origin: germline. Not counted in ClinVar's aggregate classification.

Quest Diagnostics Nichols Institute San Juan Capistrano
Classification: Likely benign. Last evaluated: 2023-07-04. Review status: criteria provided, single submitter. Criteria: Quest Diagnostics criteria. Collection method: clinical testing. Allele origin: unknown. Not counted in ClinVar's aggregate classification.

CHEO Genetics Diagnostic Laboratory, Children's Hospital of Eastern Ontario
Classification: Likely benign for Breast and/or ovarian cancer. Last evaluated: 2022-09-29. Review status: criteria provided, single submitter. Criteria: ACMG Guidelines, 2015. Collection method: clinical testing. Allele origin: germline. Not counted in ClinVar's aggregate classification.

Women's Health and Genetics/Laboratory Corporation of America, LabCorp
Classification: Likely benign. Last evaluated: 2019-07-22. Review status: criteria provided, single submitter. Criteria: LabCorp Variant Classification Summary - May 2015. Collection method: clinical testing. Allele origin: germline. Not counted in ClinVar's aggregate classification.

ARUP Laboratories, Molecular Genetics and Genomics, ARUP Laboratories
Classification: Likely benign. Last evaluated: 2018-11-20. Review status: criteria provided, single submitter. Criteria: ARUP Molecular Germline Variant Investigation Process. Collection method: clinical testing. Allele origin: germline. Not counted in ClinVar's aggregate classification.

Color Diagnostics, LLC DBA Color Health
Classification: Likely benign for Hereditary cancer-predisposing syndrome. Last evaluated: 2017-05-09. Review status: criteria provided, single submitter. Criteria: ACMG Guidelines, 2015. Collection method: clinical testing. Allele origin: germline. Not counted in ClinVar's aggregate classification.

GeneDx
Classification: Benign. Last evaluated: 2015-03-03. Review status: criteria provided, single submitter. Criteria: GeneDx Variant Classification Process June 2021. Collection method: clinical testing. Allele origin: germline. Affected: yes. Not counted in ClinVar's aggregate classification.
Comment: This variant is associated with the following publications: (PMID: 30209399)

Ambry Genetics
Classification: Likely benign for Hereditary cancer-predisposing syndrome. Last evaluated: 2014-11-20. Review status: criteria provided, single submitter. Criteria: Ambry Variant Classification Scheme 2023. Collection method: clinical testing. Allele origin: germline. Not counted in ClinVar's aggregate classification.

Counsyl
Classification: Likely benign for Breast-ovarian cancer, familial, susceptibility to, 1. Last evaluated: 2016-05-20. Review status: no assertion criteria provided. Collection method: clinical testing. Allele origin: unknown. Not counted in ClinVar's aggregate classification.

Brotman Baty Institute, University of Washington
No classification provided (evidence only). Condition: Breast-ovarian cancer, familial 1. Review status: no classification provided. Collection method: in vitro. Allele origin: not applicable. Functional consequence: functionally_normal. Not counted in ClinVar's aggregate classification.
ClinVar note: "not provided" was previously submitted as the classification for the variant. However, the classification appeared to be based only on an observation of functional data so it was converted to no classification on 2025-07-30.

Literature cited by the submitters: PubMed 16267036 (cited by Quest Diagnostics Nichols Institute San Juan Capistrano); PubMed 30209399 (cited by Quest Diagnostics Nichols Institute San Juan Capistrano); PubMed 27376475 (cited by Quest Diagnostics Nichols Institute San Juan Capistrano).